The following is an entry in ClinVar:

NM_006516.4(SLC2A1):c.96C>G (p.Val32=)

Gene: SLC2A1 (solute carrier family 2 member 1; minus strand). Cytogenetic location: 1p34.2.
Variant type: single nucleotide variant.
Coding change: c.96C>G on transcript NM_006516.4 (MANE Select); coding-DNA position 96, C replaced by G.
Protein change: p.Val32=; no amino-acid change (valine 32 retained).
Molecular consequence: synonymous variant.
Genome position (GRCh38, 1-based): chr1:42,943,244, G>C on the plus strand (C>G on the coding strand, the complement: SLC2A1 is on the minus strand). VCF-style: chr1-42943244-G-C. GRCh37 (hg19) VCF-style: chr1-43408915-G-C.
Identifiers: ClinVar variation 507391 (VCV000507391.1), dbSNP rs1553156834, ClinGen allele CA417411850.

ClinVar aggregate classification (germline): Likely benign (1 of 4 stars; one submission).

Submission:

GeneDx
Classification: Likely benign. Last evaluated: 2017-02-14. Review status: criteria provided, single submitter. Criteria: GeneDx Variant Classification (06012015). Collection method: clinical testing. Allele origin: germline. Affected: yes.
Comment: This variant is considered likely benign or benign based on one or more of the following criteria: it is a conservative change, it occurs at a poorly conserved position in the protein, it is predicted to be benign by multiple in silico algorithms, and/or has population frequency not consistent with disease.